The following is an entry in ClinVar:

NM_000218.3(KCNQ1):c.1283A>G (p.Asp428Gly)

Gene: KCNQ1 (potassium voltage-gated channel subfamily Q member 1; plus strand). Cytogenetic location: 11p15.5.
Variant type: single nucleotide variant.
Coding change: c.1283A>G on transcript NM_000218.3 (MANE Select); coding-DNA position 1283, A replaced by G.
Protein change: p.Asp428Gly; replaces aspartic acid 428 with glycine.
Molecular consequence: missense variant.
Genome position (GRCh38, 1-based): chr11:2,588,744, A>G. VCF-style: chr11-2588744-A-G. GRCh37 (hg19) VCF-style: chr11-2609974-A-G.
Other names: c.1283A>G (LRG_287t1); c.1187A>G, p.Asp396Gly (NM_001406836.1); c.1013A>G, p.Asp338Gly (NM_001406837.1); c.743A>G, p.Asp248Gly (NM_001406838.1); c.902A>G, p.Asp301Gly (NM_181798.2); short protein forms D428G, D301G, D396G, D248G, D338G.
Identifiers: ClinVar variation 67023 (VCV000067023.3), dbSNP rs199472779, ClinGen allele CA005564.

ClinVar aggregate classification (germline): not provided (0 of 4 stars; one submission).

Allele frequency attached by ClinVar (database versions not stated): gnomAD exomes below 0.00001.
gnomAD v4.1: 3 of 1,613,796 alleles (0.00019%); highest among the groups gnomAD compares: Non-Finnish European, 0.00017%; no homozygotes.

Submission:

Cardiovascular Biomedical Research Unit, Royal Brompton & Harefield NHS Foundation Trust
No classification provided. Review status: no classification provided. Collection method: literature only. Allele origin: germline.
Comment: This variant has been reported in the following publications (PMID:14661677;PMID:19841300).

Literature cited by the submitters: PubMed 14661677; PubMed 19841300; PubMed 22581653.